The following is an entry in ClinVar:

NM_006767.4(LZTR1):c.360C>G (p.His120Gln)

Gene: LZTR1 (leucine zipper like post translational regulator 1; plus strand). Cytogenetic location: 22q11.21.
Variant type: single nucleotide variant.
Coding change: c.360C>G on transcript NM_006767.4 (MANE Select); coding-DNA position 360, C replaced by G.
Protein change: p.His120Gln; replaces histidine 120 with glutamine.
Molecular consequence: missense variant.
Genome position (GRCh38, 1-based): chr22:20,987,543, C>G. VCF-style: chr22-20987543-C-G. GRCh37 (hg19) VCF-style: chr22-21341832-C-G.
Other names: c.360C>G (NM_006767.3); short protein forms H120Q.
Identifiers: ClinVar variation 3367011 (VCV003367011.5).

ClinVar aggregate classification (germline): Uncertain significance. Review status: criteria provided, multiple submitters, no conflicts (2 of 4 stars). 4 submissions from 4 submitters: Uncertain significance (4). Last evaluated 2025-05-26.

Conditions:
Noonan syndrome 10 (NS10). Identifiers: Orphanet 648, MedGen C4225280, MONDO:0014693, OMIM 616564.
Hereditary cancer-predisposing syndrome. Also called: Hereditary Cancer Syndrome; Neoplastic Syndromes, Hereditary; Tumor predisposition; Hereditary neoplastic syndrome. Identifiers: Orphanet 140162, MedGen C0027672, MeSH D009386, MONDO:0015356.
Cardiovascular phenotype. Identifiers: MedGen CN230736.

Submissions (4):

Ambry Genetics
Classification: Uncertain significance for Cardiovascular phenotype; Hereditary cancer-predisposing syndrome. Last evaluated: 2025-05-26. Review status: criteria provided, single submitter. Criteria: Ambry Variant Classification Scheme 2023. Collection method: clinical testing. Allele origin: germline.
Comment: The p.H120Q variant (also known as c.360C>G), located in coding exon 4 of the LZTR1 gene, results from a C to G substitution at nucleotide position 360. The histidine at codon 120 is replaced by glutamine, an amino acid with highly similar properties. This amino acid position is highly conserved in available vertebrate species. In addition, the in silico prediction for this alteration is inconclusive. Based on the available evidence, the clinical significance of this variant remains unclear.

Dasa
Classification: Uncertain significance. Last evaluated: 2025-01-14. Review status: criteria provided, single submitter. Criteria: DASA Assertion Criteria. Collection method: clinical testing. Allele origin: germline.
Comment: NM_006767.4(LZTR1):c.360C>G (p.His120Gln) is a missense variant that results in the substitution of histidine with glutamine. This variant is absent from population databases. Computational prediction algorithms are consistent with a benign effect. The currently available literature and clinical evidence are not sufficient to establish a definitive association between this variant and the reported condition. Therefore, this variant is classified as a variant of uncertain significance.

Neuberg Centre For Genomic Medicine, NCGM
Classification: Uncertain significance for Noonan syndrome 10. Last evaluated: 2023-05-20. Review status: criteria provided, single submitter. Criteria: ACMG Guidelines, 2015. Collection method: clinical testing. Allele origin: germline. Inheritance: Autosomal dominant inheritance. Affected: yes.
Comment: The observed missense variant c.360C>G (p.His120Gln) in the LZTR1 gene has not been reported previously as a pathogenic variant nor as a benign variant, to our knowledge. This variant is absent in the gnomAD Exomes. The amino acid Histidine at position 120 is changed to a Glutamine changing protein sequence and it might alter its composition and physico-chemical properties. Multiple lines of computational evidence (Polyphen - Damaging, SIFT - Damaging and MutationTaster - Disease causing) predict a damaging effect on protein structure and function for this variant. The residue is conserved by GERP++ and PhyloP across 100 vertebrates. For these reasons, this variant has been classified as Uncertain Significance.

Blueprint Genetics
Classification: Uncertain significance. Last evaluated: 2019-08-21. Review status: criteria provided, single submitter. Criteria: ACMG Guidelines, 2015. Collection method: clinical testing. Allele origin: germline.